The following is an entry in ClinVar:

NM_001080.3(ALDH5A1):c.1475T>A (p.Val492Asp)

Gene: ALDH5A1 (aldehyde dehydrogenase 5 family member A1; plus strand). Cytogenetic location: 6p22.3.
Variant type: single nucleotide variant.
Coding change: c.1475T>A on transcript NM_001080.3 (MANE Select); coding-DNA position 1475, T replaced by A.
Protein change: p.Val492Asp; replaces valine 492 with aspartic acid.
Molecular consequence: missense variant.
Genome position (GRCh38, 1-based): chr6:24,533,579, T>A. VCF-style: chr6-24533579-T-A. GRCh37 (hg19) VCF-style: chr6-24533807-T-A.
Other names: c.1331T>A, p.Val444Asp (NM_001368954.1); c.1514T>A, p.Val505Asp (NM_170740.1); short protein forms V444D, V492D, V505D.
Identifiers: ClinVar variation 3893239 (VCV003893239.1).

ClinVar aggregate classification (germline): Likely pathogenic (1 of 4 stars; one submission).

Conditions:
Succinate-semialdehyde dehydrogenase deficiency (SSADHD). Also called: SSADH DEFICIENCY; 4-HYDROXYBUTYRIC ACIDURIA; GABA METABOLIC DEFECT; Succinic Semialdehyde Dehydrogenase Deficiency. Identifiers: Orphanet 22, MedGen C0268631, MONDO:0010083, OMIM 271980.

Submission:

Illumina Laboratory Services, Illumina
Classification: Likely pathogenic for Succinate-semialdehyde dehydrogenase deficiency. Last evaluated: 2024-01-05. Review status: criteria provided, single submitter. Criteria: ICSLVariantClassificationCriteria RUGD 01 April 2020. Collection method: clinical testing. Allele origin: unknown.
Comment: The ALDH5A1 c.1475T>A p.(Val492Asp) missense variant has not, to our knowledge, been reported in the peer-reviewed literature, The variant is not observed in version 2.1.1 or version 4.0.0 of the Genome Aggregation Database. This variant is located in the catalytic domain (PMID: 33203024). Multiple lines of computational evidence suggest the variant may impact the gene or gene product. Based on the available evidence, the c.1475T>A p.(Val492Asp) variant is classified as likely pathogenic for SSADH deficiency.

Literature cited by the submitters: PubMed 33203024.